The following is an entry in ClinVar:

ClinVar aggregate classification (germline): Uncertain significance (1 of 4 stars; one submission).

Conditions:
Developmental delay, impaired speech, and behavioral abnormalities. Identifiers: MedGen C5561957, MONDO:0859178, OMIM 619475.

gnomAD v4.1: 6 of 1,614,020 alleles (0.00037%); highest among the groups gnomAD compares: Non-Finnish European, 0.00051%; no homozygotes.

Submission:

Genetics Department, Catlab
Classification: Uncertain significance for Developmental delay, impaired speech, and behavioral abnormalities. Last evaluated: 2025-12-18. Review status: criteria provided, single submitter. Criteria: ACMG Guidelines, 2015. Collection method: clinical testing. Allele origin: germline. Affected: yes.
Comment: The c.1748G>T missense variant changes an arginine for a leucine at position 583 of the protein. The variant has a low frequency in gnomAD v4.1 (PM2_moderate) and the REVEL score associated to the variant is 0.73 (PP3_supporting). Finally, the missense z-score associated to the SPTBN1 gene is 8.9 (PP2_supporting). With all the available evidence, the variant is classified as of uncertain significance.

NM_003128.3(SPTBN1):c.1748G>T (p.Arg583Leu)

Gene: SPTBN1 (spectrin beta, non-erythrocytic 1; plus strand). Cytogenetic location: 2p16.2.
Variant type: single nucleotide variant.
Coding change: c.1748G>T on transcript NM_003128.3 (MANE Select); coding-DNA position 1748, G replaced by T.
Protein change: p.Arg583Leu; replaces arginine 583 with leucine.
Molecular consequence: missense variant.
Genome position (GRCh38, 1-based): chr2:54,628,200, G>T. VCF-style: chr2-54628200-G-T. GRCh37 (hg19) VCF-style: chr2-54855337-G-T.
Other names: c.1709G>T, p.Arg570Leu (NM_178313.3); short protein forms R570L, R583L.
Identifiers: ClinVar variation 4538481 (VCV004538481.1).